The following is an entry in ClinVar:

ClinVar aggregate classification (germline): Pathogenic. Review status: criteria provided, multiple submitters, no conflicts (2 of 4 stars). 2 submissions from 2 submitters: Pathogenic (2). Last evaluated 2025-06-16.

Conditions:
Retinoblastoma (RB1). Also called: RETINOBLASTOMA, SOMATIC. Identifiers: Orphanet 790, MedGen C0035335, MeSH D012175, MONDO:0008380, OMIM 180200, HP:0009919. Disease mechanism: loss of function. Inheritance: Both sporadic and heritable forms are tested..
Hereditary cancer-predisposing syndrome. Also called: Neoplastic Syndromes, Hereditary; Tumor predisposition; Hereditary neoplastic syndrome; Hereditary Cancer Syndrome. Identifiers: Orphanet 140162, MedGen C0027672, MeSH D009386, MONDO:0015356.

Submissions (2):

Ambry Genetics
Classification: Pathogenic for Hereditary cancer-predisposing syndrome. Last evaluated: 2025-06-16. Review status: criteria provided, single submitter. Criteria: Ambry Variant Classification Scheme 2023. Collection method: clinical testing. Allele origin: germline.
Comment: The c.575_576delAA pathogenic mutation, located in coding exon 6 of the RB1 gene, results from a deletion of two nucleotides at nucleotide positions 575 to 576, causing a translational frameshift with a predicted alternate stop codon (p.K192Sfs*10). This variant has been reported in individuals with features consistent with RB1-related hereditary retinoblastoma (Rodr&iacute;guez-Mart&iacute;n C et al. J Hum Genet, 2020 Jan;65:165-174; Vural &Ouml; et al. Int J Ophthalmol, 2023 Aug;16:1274-1279). This variant is considered to be rare based on population cohorts in the Genome Aggregation Database (gnomAD). This alteration is expected to result in loss of function by premature protein truncation or nonsense-mediated mRNA decay. As such, this alteration is interpreted as a disease-causing mutation.

Genetic Diagnostic Laboratory, University of Pennsylvania School of Medicine
Classification: Pathogenic for Retinoblastoma. Last evaluated: 2024-05-20. Review status: criteria provided, single submitter. Criteria: ACMG Guidelines, 2015. Collection method: clinical testing. Allele origin: germline. Affected: yes. Observed: 1 variant allele.
Comment: Case and Pedigree Information: BILATERAL CASES:1, UNILATERAL CASES:0, TOTAL CASES:1, PEDIGREES:1. ACMG Codes Applied:PVS1, PM2

Literature cited by the submitters: PubMed 31772335 (cited by Ambry Genetics); PubMed 37602348 (cited by Ambry Genetics).

NM_000321.3(RB1):c.575_576del (p.Lys192fs)

Gene: RB1 (RB transcriptional corepressor 1; plus strand). Cytogenetic location: 13q14.2.
Variant type: Deletion.
Coding change: c.575_576del on transcript NM_000321.3 (MANE Select); coding-DNA positions 575 to 576, 2 bases deleted (AA; older notation c.575_576delAA).
Protein change: p.Lys192fs; shifts the reading frame from lysine 192.
Molecular consequence: frameshift variant.
Genome position (GRCh38, 1-based): chr13:48,348,991-48,348,992, AA deleted; deleting any 2 consecutive bases within chr13:48,348,989-48,348,992 gives the same sequence; the c. name uses the placement nearest the transcript's 3' end. VCF-style (leftmost placement, unchanged base first): chr13-48348988-TAA-T. GRCh37 (hg19) VCF-style: chr13-48923124-TAA-T.
Other names: c.575_576del, p.Lys192fs (NM_001407165.1, NM_001407166.1); short protein forms K192fs.
Identifiers: ClinVar variation 3237136 (VCV003237136.2), dbSNP rs2542165903.